The following is an entry in ClinVar:

ClinVar aggregate classification (germline): Uncertain significance. Review status: criteria provided, multiple submitters, no conflicts (2 of 4 stars). 3 submissions from 3 submitters: Uncertain significance (3). Last evaluated 2024-12-12.

Conditions:
Inborn genetic diseases. Identifiers: MedGen C0950123, MeSH D030342.
Autosomal recessive severe congenital neutropenia due to G6PC3 deficiency. Also called: NEUTROPENIA, SEVERE CONGENITAL, 4, AUTOSOMAL RECESSIVE; G6PC3 Deficiency. Identifiers: Orphanet 331176, MedGen C2751630, MONDO:0012930, OMIM 612541.

Allele frequency attached by ClinVar (database versions not stated): TOPMed 0.00002; gnomAD 0.00003; gnomAD exomes 0.00002.

Submissions (3):

Labcorp Genetics (formerly Invitae), Labcorp
Classification: Uncertain significance for Autosomal recessive severe congenital neutropenia due to G6PC3 deficiency. Last evaluated: 2024-12-12. Review status: criteria provided, single submitter. Criteria: Invitae Variant Classification Sherloc (09022015). Collection method: clinical testing. Allele origin: germline.
Comment: This sequence change replaces asparagine, which is neutral and polar, with serine, which is neutral and polar, at codon 313 of the G6PC3 protein (p.Asn313Ser). This variant is present in population databases (rs202163545, gnomAD 0.005%). This variant has not been reported in the literature in individuals affected with G6PC3-related conditions. ClinVar contains an entry for this variant (Variation ID: 639944). Invitae Evidence Modeling of protein sequence and biophysical properties (such as structural, functional, and spatial information, amino acid conservation, physicochemical variation, residue mobility, and thermodynamic stability) indicates that this missense variant is not expected to disrupt G6PC3 protein function with a negative predictive value of 95%. In summary, the available evidence is currently insufficient to determine the role of this variant in disease. Therefore, it has been classified as a Variant of Uncertain Significance.

Ambry Genetics
Classification: Uncertain significance for Inborn genetic diseases. Last evaluated: 2024-10-17. Review status: criteria provided, single submitter. Criteria: Ambry Variant Classification Scheme 2023. Collection method: clinical testing. Allele origin: germline.
Comment: The p.N313S variant (also known as c.938A>G), located in coding exon 6 of the G6PC3 gene, results from an A to G substitution at nucleotide position 938. The asparagine at codon 313 is replaced by serine, an amino acid with highly similar properties. This amino acid position is conserved. In addition, this alteration is predicted to be tolerated by in silico analysis. Based on the available evidence, the clinical significance of this variant remains unclear.

Illumina Laboratory Services, Illumina
Classification: Uncertain significance for Autosomal recessive severe congenital neutropenia due to G6PC3 deficiency. Last evaluated: 2018-01-13. Review status: criteria provided, single submitter. Criteria: ICSL Variant Classification Criteria 13 December 2019. Collection method: clinical testing. Allele origin: germline.

NM_138387.4(G6PC3):c.938A>G (p.Asn313Ser)

Gene: G6PC3 (glucose-6-phosphatase catalytic subunit 3; plus strand). Cytogenetic location: 17q21.31.
Variant type: single nucleotide variant.
Coding change: c.938A>G on transcript NM_138387.4 (MANE Select); coding-DNA position 938, A replaced by G.
Protein change: p.Asn313Ser; replaces asparagine 313 with serine.
Molecular consequence: missense variant. On other transcripts: 3 prime UTR variant (1).
Genome position (GRCh38, 1-based): chr17:44,075,940, A>G. VCF-style: chr17-44075940-A-G. GRCh37 (hg19) VCF-style: chr17-42153308-A-G.
Other names: c.*231A>G (NM_001319945.2); c.593A>G, p.Asn198Ser (NM_001384165.1, NM_001384166.1, NM_001384167.1 and 1 more transcripts); short protein forms N313S, N198S.
Identifiers: ClinVar variation 639944 (VCV000639944.14), dbSNP rs202163545, ClinGen allele CA8596184.
Genomic context (GRCh38, chr17:44,075,940, plus strand): 5'-TGCTGGGCCCCCTGGACTGGCTGGGCCACCCCCCTCAGATCAGCCTCTTCTACATTTTCA[A>G]TTTCCTCAAGTACACCCTCTGGCCATGCCTAGTCCTGGCCCTCGTGCCCTGGGCAGTGCA-3'
Protein context (NP_612396.1, residues 303-323): PPQISLFYIF[Asn313Ser]FLKYTLWPCL